The following is an entry in ClinVar:

ClinVar aggregate classification (germline): Conflicting classifications of pathogenicity. Review status: criteria provided, conflicting classifications (1 of 4 stars). 2 submissions from 2 submitters: Uncertain significance (1); Likely benign (1). Last evaluated 2024-02-24.

Conditions:
Inborn genetic diseases. Identifiers: MedGen C0950123, MeSH D030342.
Epidermolysis bullosa simplex 3, localized or generalized intermediate, with BP230 deficiency (EBS3). Also called: Epidermolysis bullosa simplex due to BP230 deficiency; Epidermolysis bullosa simplex, autosomal recessive 2. Identifiers: Orphanet 412181, MedGen C3809470, MONDO:0014180, OMIM 615425.
Hereditary sensory and autonomic neuropathy type 6. Also called: HSAN VI; Neuropathy, hereditary sensory and autonomic, type VI. Identifiers: Orphanet 314381, MedGen C3539003, MONDO:0013839, OMIM 614653.

Allele frequency attached by ClinVar (database versions not stated): gnomAD exomes below 0.00001.
gnomAD v4.1: 1 of 1,611,150 alleles (0.000062%); highest among the groups gnomAD compares: Non-Finnish European, 0.000085%; no homozygotes.

Submissions (2):

Labcorp Genetics (formerly Invitae), Labcorp
Classification: Likely benign for Epidermolysis bullosa simplex 3, localized or generalized intermediate, with BP230 deficiency; Hereditary sensory and autonomic neuropathy type 6. Last evaluated: 2024-02-24. Review status: criteria provided, single submitter. Criteria: Invitae Variant Classification Sherloc (09022015). Collection method: clinical testing. Allele origin: germline.

Ambry Genetics
Classification: Uncertain significance for Inborn genetic diseases. Last evaluated: 2021-09-15. Review status: criteria provided, single submitter. Criteria: Ambry Variant Classification Scheme 2023. Collection method: clinical testing. Allele origin: germline.
Comment: The c.2866-6T>C intronic variant results from a T to C substitution 6 nucleotides upstream from coding exon 22 in the DST gene. This nucleotide position is not well conserved in available vertebrate species. In silico splice site analysis predicts that this alteration will not have any significant effect on splicing. Since supporting evidence is limited at this time, the clinical significance of this alteration remains unclear.

NM_001374736.1(DST):c.2965-6T>C

Gene: DST (dystonin; minus strand). Cytogenetic location: 6p12.1.
Variant type: single nucleotide variant.
Coding change: c.2965-6T>C on transcript NM_001374736.1 (MANE Select); 6 bases into the intron before coding-DNA position 2965, T replaced by C.
Molecular consequence: intron variant.
Genome position (GRCh38, 1-based): chr6:56,636,658, A>G on the plus strand (T>C on the coding strand, the complement: DST is on the minus strand). VCF-style: chr6-56636658-A-G. GRCh37 (hg19) VCF-style: chr6-56501456-A-G.
Other names: c.2866-6T>C (NM_001144769.5); c.2965-6T>C (NM_001374722.1); c.2992-6T>C (NM_001374734.1); c.2452-6T>C (NM_001144770.2); c.2332-6T>C (NM_001374730.1, NM_001386100.1, NM_183380.4 and 1 more transcripts); c.1354-6T>C (NM_015548.5, NM_001723.7).
Identifiers: ClinVar variation 856326 (VCV000856326.12), dbSNP rs2098828864, ClinGen allele CA916082847.
Genomic context (GRCh38, chr6:56,636,658, plus strand): 5'-ACTGGCAGAGCTGTAAGATCCAGCTCCACTGCGTCTGCATTGCCGCTCTGTAGGCCTTAA[A>G]GATAAAACAGAGCCATCATAACTGACTGGGGAGAAATAAGGCACACATACCTTTTGATAT-3'